The following is an entry in ClinVar:

ClinVar aggregate classification (germline): Uncertain significance. Review status: criteria provided, multiple submitters, no conflicts (2 of 4 stars). 2 submissions from 2 submitters: Uncertain significance (2). Last evaluated 2025-08-07.

Conditions:
Dilated Cardiomyopathy, Recessive.

Allele frequency attached by ClinVar (database versions not stated): ESP Exome Variant Server 0.00008; TOPMed 0.00010; gnomAD 0.00016.
gnomAD v4.1: 316 of 1,605,764 alleles (0.02%); highest among the groups gnomAD compares: Non-Finnish European, 0.024%; no homozygotes.

Submissions (2):

Ambry Genetics
Classification: Uncertain significance. Last evaluated: 2025-08-07. Review status: criteria provided, single submitter. Criteria: Ambry Variant Classification Scheme 2023. Collection method: clinical testing. Allele origin: germline.

Labcorp Genetics (formerly Invitae), Labcorp
Classification: Uncertain significance. Last evaluated: 2025-01-07. Review status: criteria provided, single submitter. Criteria: Invitae Variant Classification Sherloc (09022015). Collection method: clinical testing. Allele origin: germline.
Comment: This sequence change replaces proline, which is neutral and non-polar, with leucine, which is neutral and non-polar, at codon 372 of the PLEKHM2 protein (p.Pro372Leu). This variant is present in population databases (rs199741495, gnomAD 0.02%). This variant has not been reported in the literature in individuals affected with PLEKHM2-related conditions. ClinVar contains an entry for this variant (Variation ID: 655717). An algorithm developed to predict the effect of missense changes on protein structure and function outputs the following: PolyPhen-2: "Benign". The leucine amino acid residue is found in multiple mammalian species, which suggests that this missense change does not adversely affect protein function. In summary, the available evidence is currently insufficient to determine the role of this variant in disease. Therefore, it has been classified as a Variant of Uncertain Significance.

NM_015164.4(PLEKHM2):c.1115C>T (p.Pro372Leu)

Gene: PLEKHM2 (pleckstrin homology and RUN domain containing M2; plus strand). Cytogenetic location: 1p36.21.
Variant type: single nucleotide variant.
Coding change: c.1115C>T on transcript NM_015164.4 (MANE Select); coding-DNA position 1115, C replaced by T.
Protein change: p.Pro372Leu; replaces proline 372 with leucine.
Molecular consequence: missense variant.
Genome position (GRCh38, 1-based): chr1:15,727,187, C>T. VCF-style: chr1-15727187-C-T. GRCh37 (hg19) VCF-style: chr1-16053682-C-T.
Other names: short protein forms P372L.
Identifiers: ClinVar variation 655717 (VCV000655717.10), dbSNP rs199741495, ClinGen allele CA616859.